The following is an entry in ClinVar:

ClinVar aggregate classification (germline): Uncertain significance (1 of 4 stars; one submission).

Conditions:
Hereditary cancer-predisposing syndrome. Also called: Tumor predisposition; Hereditary neoplastic syndrome; Hereditary Cancer Syndrome; Neoplastic Syndromes, Hereditary. Identifiers: Orphanet 140162, MedGen C0027672, MeSH D009386, MONDO:0015356.

gnomAD v4.1: 1 of 1,612,706 alleles (0.000062%); highest among the groups gnomAD compares: Non-Finnish European, 0.000085%; no homozygotes.

Submission:

Ambry Genetics
Classification: Uncertain significance for Hereditary cancer-predisposing syndrome. Last evaluated: 2025-05-23. Review status: criteria provided, single submitter. Criteria: Ambry Variant Classification Scheme 2023. Collection method: clinical testing. Allele origin: germline.
Comment: The p.L1513F variant (also known as c.4537C>T), located in coding exon 31 of the SMARCA4 gene, results from a C to T substitution at nucleotide position 4537. The leucine at codon 1513 is replaced by phenylalanine, an amino acid with highly similar properties. This amino acid position is highly conserved in available vertebrate species. In addition, this alteration is predicted to be tolerated by in silico analysis. Based on the available evidence, the clinical significance of this variant remains unclear.

NM_003072.5(SMARCA4):c.4441C>T (p.Leu1481Phe)

Gene: SMARCA4 (SWI/SNF related BAF chromatin remodeling complex subunit ATPase 4; plus strand). Cytogenetic location: 19p13.2.
Variant type: single nucleotide variant.
Coding change: c.4441C>T on transcript NM_003072.5 (MANE Select); coding-DNA position 4441, C replaced by T.
Protein change: p.Leu1481Phe; replaces leucine 1481 with phenylalanine.
Molecular consequence: missense variant. On other transcripts: non-coding transcript variant (1).
Genome position (GRCh38, 1-based): chr19:11,058,271, C>T. VCF-style: chr19-11058271-C-T. GRCh37 (hg19) VCF-style: chr19-11168947-C-T.
Other names: c.4441C>T, p.Leu1481Phe (NM_001128844.3); c.4351C>T, p.Leu1451Phe (NM_001128845.2); c.4348C>T, p.Leu1450Phe (NM_001128846.2); c.4342C>T, p.Leu1448Phe (NM_001128847.4, NM_001374457.1); c.4339C>T, p.Leu1447Phe (NM_001128848.2); c.4537C>T, p.Leu1513Phe (NM_001128849.3, NM_001387283.1); c.4438C>T, p.Leu1480Phe (NM_001411150.1); short protein forms L1451F, L1447F, L1448F, L1481F, L1513F, L1450F, L1480F.
Identifiers: ClinVar variation 3958417 (VCV003958417.1).